The following is an entry in ClinVar:

ClinVar aggregate classification (germline): Uncertain significance. Review status: criteria provided, multiple submitters, no conflicts (2 of 4 stars). 2 submissions from 2 submitters: Uncertain significance (2). Last evaluated 2025-07-02.

Conditions:
Exostoses, multiple, type 2 (EXT2). Also called: EXOSTOSES, MULTIPLE, TYPE II; Hereditary Multiple Osteochondromatosis, Type II. Identifiers: Orphanet 321, MedGen C1851413, MONDO:0007586, OMIM 133701.
Inborn genetic diseases. Identifiers: MedGen C0950123, MeSH D030342.

gnomAD v4.1: 1 of 1,613,878 alleles (0.000062%); highest among the groups gnomAD compares: South Asian, 0.0011%; no homozygotes.

Submissions (2):

Ambry Genetics
Classification: Uncertain significance for Inborn genetic diseases. Last evaluated: 2025-07-02. Review status: criteria provided, single submitter. Criteria: Ambry Variant Classification Scheme 2023. Collection method: clinical testing. Allele origin: germline.

Labcorp Genetics (formerly Invitae), Labcorp
Classification: Uncertain significance for Exostoses, multiple, type 2. Last evaluated: 2022-07-04. Review status: criteria provided, single submitter. Criteria: Invitae Variant Classification Sherloc (09022015). Collection method: clinical testing. Allele origin: germline.
Comment: In summary, the available evidence is currently insufficient to determine the role of this variant in disease. Therefore, it has been classified as a Variant of Uncertain Significance. Algorithms developed to predict the effect of missense changes on protein structure and function are either unavailable or do not agree on the potential impact of this missense change (SIFT: "Deleterious"; PolyPhen-2: "Benign"; Align-GVGD: "Class C0"). This variant has not been reported in the literature in individuals affected with EXT2-related conditions. This variant is not present in population databases (gnomAD no frequency). This sequence change replaces isoleucine, which is neutral and non-polar, with threonine, which is neutral and polar, at codon 385 of the EXT2 protein (p.Ile385Thr).

NM_207122.2(EXT2):c.1154T>C (p.Ile385Thr)

Gene: EXT2 (exostosin glycosyltransferase 2; plus strand). Cytogenetic location: 11p11.2.
Variant type: single nucleotide variant.
Coding change: c.1154T>C on transcript NM_207122.2 (MANE Select); coding-DNA position 1154, T replaced by C.
Protein change: p.Ile385Thr; replaces isoleucine 385 with threonine.
Molecular consequence: missense variant.
Genome position (GRCh38, 1-based): chr11:44,130,119, T>C. VCF-style: chr11-44130119-T-C. GRCh37 (hg19) VCF-style: chr11-44151669-T-C.
Other names: c.1253T>C, p.Ile418Thr (NM_000401.3); c.1154T>C, p.Ile385Thr (NM_001178083.3, NM_001389628.1, NM_001389630.1); short protein forms I385T, I418T.
Identifiers: ClinVar variation 1905533 (VCV001905533.6), dbSNP rs2539577578, ClinGen allele CA380170447.